The following is an entry in ClinVar:

NM_001084.5(PLOD3):c.1444T>G (p.Phe482Val)

Gene: PLOD3 (procollagen-lysine,2-oxoglutarate 5-dioxygenase 3; minus strand). Cytogenetic location: 7q22.1.
Variant type: single nucleotide variant.
Coding change: c.1444T>G on transcript NM_001084.5 (MANE Select); coding-DNA position 1444, T replaced by G.
Protein change: p.Phe482Val; replaces phenylalanine 482 with valine.
Molecular consequence: missense variant.
Genome position (GRCh38, 1-based): chr7:101,210,588, A>C on the plus strand (T>G on the coding strand, the complement: PLOD3 is on the minus strand). VCF-style: chr7-101210588-A-C. GRCh37 (hg19) VCF-style: chr7-100853869-A-C.
Other names: c.1444T>G (NM_001084.4); short protein forms F482V.
Identifiers: ClinVar variation 1955755 (VCV001955755.3), dbSNP rs993367504, ClinGen allele CA163347691.
Genomic context (GRCh38, chr7:101,210,588, plus strand): 5'-TCACCTTGTCTCGAAAGCTCTTACAGAAGGCCATGTCCGGGTCTGTGTCACTGCCCGAGA[A>C]CACATCCCTCTGGGGCAGCTCCATCCGCAGGGTATCACCCCGGATCACATAGGCCTGGGA-3'
Protein context (NP_001075.1, residues 472-492): LRMELPQRDV[Phe482Val]SGSDTDPDMA

ClinVar aggregate classification (germline): Uncertain significance. Review status: criteria provided, multiple submitters, no conflicts (2 of 4 stars). 2 submissions from 2 submitters: Uncertain significance (2). Last evaluated 2025-04-03.

Conditions:
Inborn genetic diseases. Identifiers: MedGen C0950123, MeSH D030342.

Allele frequency attached by ClinVar (database versions not stated): gnomAD 0.00001; gnomAD exomes below 0.00001; TOPMed 0.00002.
gnomAD v4.1: 4 of 1,614,060 alleles (0.00025%); highest among the groups gnomAD compares: African/African-American, 0.0053%; no homozygotes.

Submissions (2):

Ambry Genetics
Classification: Uncertain significance for Inborn genetic diseases. Last evaluated: 2025-04-03. Review status: criteria provided, single submitter. Criteria: Ambry Variant Classification Scheme 2023. Collection method: clinical testing. Allele origin: germline.

Labcorp Genetics (formerly Invitae), Labcorp
Classification: Uncertain significance. Last evaluated: 2022-02-23. Review status: criteria provided, single submitter. Criteria: Invitae Variant Classification Sherloc (09022015). Collection method: clinical testing. Allele origin: germline.
Comment: This sequence change replaces phenylalanine, which is neutral and non-polar, with valine, which is neutral and non-polar, at codon 482 of the PLOD3 protein (p.Phe482Val). This variant is not present in population databases (gnomAD no frequency). This variant has not been reported in the literature in individuals affected with PLOD3-related conditions. Algorithms developed to predict the effect of missense changes on protein structure and function are either unavailable or do not agree on the potential impact of this missense change (SIFT: "Deleterious"; PolyPhen-2: "Probably Damaging"; Align-GVGD: "Class C0"). In summary, the available evidence is currently insufficient to determine the role of this variant in disease. Therefore, it has been classified as a Variant of Uncertain Significance.